The following is an entry in ClinVar:

ClinVar aggregate classification (germline): Pathogenic. Review status: criteria provided, multiple submitters, no conflicts (2 of 4 stars). 5 submissions from 5 submitters: Pathogenic (4). 1 of the submissions does not count toward it. Last evaluated 2026-06-14.

Conditions:
Autosomal recessive primary hypertrophic osteoarthropathy.
Hypertrophic osteoarthropathy, primary, autosomal recessive, 1 (PHOAR1). Also called: PHO, AUTOSOMAL RECESSIVE. Identifiers: Orphanet 1525, Orphanet 2796, MedGen C4551679, MONDO:0024546, OMIM 259100.
Isolated congenital digital clubbing. Also called: CLUBBING OF DIGITS; ACROPACHY, HEREDITARY. Identifiers: Orphanet 217059, MedGen C0345408, MONDO:0007343, OMIM 119900.

Submissions (5):

Genetics Laboratory, Great Ormond Street Hospital NHS Foundation Trust, North Thames Genomic Laboratory Hub
Classification: Pathogenic for Autosomal recessive primary hypertrophic osteoarthropathy. Last evaluated: 2026-06-14. Review status: criteria provided, single submitter. Criteria: ACGS Best Practice Guidelines for Variant Classification in Rare Disease 2024 v1.2. Collection method: clinical testing. Allele origin: germline. Affected: yes.
Comment: PVS1_very-strong, PP1_moderate, PM3_supporting

Laboratory of Genetics, Children's Clinical University Hospital Latvia
Classification: Pathogenic. Last evaluated: 2025-02-16. Review status: criteria provided, single submitter. Criteria: ACMG Guidelines, 2015. Collection method: clinical testing. Allele origin: germline. Affected: yes.

Labcorp Genetics (formerly Invitae), Labcorp
Classification: Pathogenic. Last evaluated: 2025-01-27. Review status: criteria provided, single submitter. Criteria: Invitae Variant Classification Sherloc (09022015). Collection method: clinical testing. Allele origin: germline.
Comment: This sequence change creates a premature translational stop signal (p.Leu59Valfs*8) in the HPGD gene. It is expected to result in an absent or disrupted protein product. Loss-of-function variants in HPGD are known to be pathogenic (PMID: 18500342, 19568269, 24533558, 24816859). This variant is present in population databases (rs548208942, gnomAD 0.03%). This premature translational stop signal has been observed in individual(s) with primary hypertrophic osteoarthropathy (PMID: 18500342). ClinVar contains an entry for this variant (Variation ID: 7919). For these reasons, this variant has been classified as Pathogenic.

Centre for Mendelian Genomics, University Medical Centre Ljubljana
Classification: Pathogenic for Isolated congenital digital clubbing. Last evaluated: 2019-10-02. Review status: criteria provided, single submitter. Criteria: ACMG Guidelines, 2015. Collection method: clinical testing. Allele origin: unknown. Affected: yes.
Comment: This variant was classified as: Pathogenic. The following ACMG criteria were applied in classifying this variant: PVS1,PS1,PM2.

OMIM
Classification: Pathogenic for HYPERTROPHIC OSTEOARTHROPATHY, PRIMARY, AUTOSOMAL RECESSIVE, 1. Last evaluated: 2008-06-01. Review status: no assertion criteria provided. Collection method: literature only. Allele origin: germline. Not counted in ClinVar's aggregate classification.

Literature cited by the submitters: PubMed 18500342 (cited by Labcorp Genetics (formerly Invitae), Labcorp and OMIM); PubMed 19568269 (cited by Labcorp Genetics (formerly Invitae), Labcorp); PubMed 24533558 (cited by Labcorp Genetics (formerly Invitae), Labcorp); PubMed 24816859 (cited by Labcorp Genetics (formerly Invitae), Labcorp); PubMed 17285282 (cited by OMIM).

NM_000860.6(HPGD):c.175_176del (p.Leu59fs)

Gene: HPGD (15-hydroxyprostaglandin dehydrogenase; minus strand). Cytogenetic location: 4q34.1.
Variant type: Microsatellite.
Coding change: c.175_176del on transcript NM_000860.6 (MANE Select); coding-DNA positions 175 to 176, 2 bases deleted (CT; older notation c.175_176delCT).
Protein change: p.Leu59fs; shifts the reading frame from leucine 59.
Molecular consequence: frameshift variant. On other transcripts: 5 prime UTR variant (2).
Genome position (GRCh38, 1-based): chr4:174,521,985-174,521,986, AG deleted on the plus strand (CT on the coding strand, the reverse complement: HPGD is on the minus strand); deleting any 2 consecutive bases within chr4:174,521,985-174,521,988 gives the same sequence; the c. name uses the placement nearest the transcript's 3' end. VCF-style (leftmost placement, unchanged base first): chr4-174521984-CAG-C. GRCh37 (hg19) VCF-style: chr4-175443135-CAG-C.
Other names: c.175_176delCT (NM_000860.5); c.175_176del, p.Leu59fs (NM_001145816.3, NM_001256305.2, NM_001256306.2 and 1 more transcripts); c.-191CT[1] (NM_001256301.1); c.-84CT[1] (NM_001256307.2); short protein forms L59fs.
Identifiers: ClinVar variation 7919 (VCV000007919.12), dbSNP rs548208942, ClinGen allele CA119155.